The following is an entry in ClinVar:

ClinVar aggregate classification (germline): Likely pathogenic (1 of 4 stars; one submission).

Conditions:
Hydrolethalus syndrome. Identifiers: Orphanet 2189, MedGen C2931104, MONDO:0006037.

Submission:

Natera, Inc.
Classification: Likely pathogenic for Hydrolethalus syndrome. Last evaluated: 2024-08-14. Review status: criteria provided, single submitter. Criteria: Natera Variant Classification Schema (03/2026). Collection method: clinical testing. Allele origin: germline.
Comment: The c.15_16insAA variant in HYLS1 is a frameshift variant predicted to shift the reading frame beginning at codon 6 and leads to a stop codon 52 codons downstream. This variant is expected to result in nonsense mediated decay, truncation, or a dysfunctional protein product. This variant is rare in the general population with a frequency below the threshold expected for the associated phenotype(s). Given the available evidence, this variant is classified as Likely Pathogenic.

NM_001134793.2(HYLS1):c.15_16insAA (p.Pro6fs)

Genes: HYLS1 (HYLS1 centriolar and ciliogenesis associated; plus strand), PUS3 (pseudouridine synthase 3; minus strand). Cytogenetic location: 11q24.2.
Variant type: Insertion.
Coding change: c.15_16insAA on transcript NM_001134793.2 (MANE Select); coding-DNA positions 15 to 16, AA inserted.
Protein change: p.Pro6fs; shifts the reading frame from proline 6.
Molecular consequence: frameshift variant. On other transcripts: intron variant (7).
Genome position: GRCh38 VCF-style: chr11-125899382-T-TAA. GRCh37 (hg19) VCF-style: chr11-125769277-T-TAA.
Other names: c.15_16insAA, p.Pro6fs (NM_001377269.1, NM_001377270.1, NM_001424364.1 and 1 more transcripts); c.-246-3594_-246-3593insTT (NM_001271985.2); c.-46-3053_-46-3052insTT (NM_001441241.1, NM_001441239.1, NM_031307.4); c.-247+1296_-247+1297insTT (NM_001441238.1); c.-47+1296_-47+1297insTT (NM_001441240.1, NM_001441237.1); short protein forms P6fs.
Identifiers: ClinVar variation 4816848 (VCV004816848.1).
Genomic context (GRCh38, chr11:125,899,382, plus strand): 5'-TGACCAATGTTATCTCTTGCAGAAGGTCCTACAGTGTAGGGGAAGCAATGGAAGAACTTC[T>TAA]ACCTGATGGACAAATATGGGCTAATATGGATCCAGAAGAACGAATGTTGGCAGCTGCTAC-3'